The following is an entry in ClinVar:

ClinVar aggregate classification (germline): Likely benign. Review status: criteria provided, multiple submitters, no conflicts (2 of 4 stars). 2 submissions from 2 submitters: Likely benign (2). Last evaluated 2026-05-13.

Conditions:
Cardiovascular phenotype. Identifiers: MedGen CN230736.
JAG1-related disorder. Also called: JAG1-related condition; JAG1-related disorders.

Allele frequency attached by ClinVar (database versions not stated): gnomAD exomes below 0.00001; TOPMed below 0.00001; gnomAD 0.00001.
gnomAD v4.1: 4 of 1,613,972 alleles (0.00025%); highest among the groups gnomAD compares: Non-Finnish European, 0.00034%; no homozygotes.

Submissions (2):

PreventionGenetics, part of Exact Sciences
Classification: Likely benign for JAG1-related condition. Last evaluated: 2026-05-13. Review status: criteria provided, single submitter. Criteria: ACMG Guidelines, 2015. Collection method: clinical testing. Allele origin: germline.
Comment: This variant is classified as likely benign based on ACMG/AMP sequence variant interpretation guidelines (Richards et al. 2015 PMID: 25741868, with internal and published modifications).

Ambry Genetics
Classification: Likely benign for Cardiovascular phenotype. Last evaluated: 2023-04-18. Review status: criteria provided, single submitter. Criteria: Ambry Variant Classification Scheme 2023. Collection method: clinical testing. Allele origin: germline.

NM_000214.3(JAG1):c.1047C>A (p.Gly349=)

Gene: JAG1 (jagged canonical Notch ligand 1; minus strand). Cytogenetic location: 20p12.2.
Variant type: single nucleotide variant.
Coding change: c.1047C>A on transcript NM_000214.3 (MANE Select); coding-DNA position 1047, C replaced by A.
Protein change: p.Gly349=; no amino-acid change (glycine 349 retained).
Molecular consequence: synonymous variant.
Genome position (GRCh38, 1-based): chr20:10,651,654, G>T on the plus strand (C>A on the coding strand, the complement: JAG1 is on the minus strand). VCF-style: chr20-10651654-G-T. GRCh37 (hg19) VCF-style: chr20-10632302-G-T.
Identifiers: ClinVar variation 2561146 (VCV002561146.3), dbSNP rs2067347196, ClinGen allele CA509661803.